The following is an entry in ClinVar:

NM_001033855.3(DCLRE1C):c.1340C>T (p.Thr447Ile)

Gene: DCLRE1C (DNA cross-link repair 1C; minus strand). Cytogenetic location: 10p13.
Variant type: single nucleotide variant.
Coding change: c.1340C>T on transcript NM_001033855.3 (MANE Select); coding-DNA position 1340, C replaced by T.
Protein change: p.Thr447Ile; replaces threonine 447 with isoleucine.
Molecular consequence: missense variant. On other transcripts: non-coding transcript variant (4).
Genome position (GRCh38, 1-based): chr10:14,909,147, G>A on the plus strand (C>T on the coding strand, the complement: DCLRE1C is on the minus strand). VCF-style: chr10-14909147-G-A. GRCh37 (hg19) VCF-style: chr10-14951146-G-A.
Other names: c.1340C>T, p.Thr447Ile (NM_001350965.2); c.995C>T, p.Thr332Ile (NM_001350966.2, NM_022487.4, NM_001289076.2 and 1 more transcripts); c.980C>T, p.Thr327Ile (NM_001350967.2, NM_001033857.3, NM_001033858.3 and 2 more transcripts); short protein forms T327I, T332I, T447I.
Identifiers: ClinVar variation 1060552 (VCV001060552.7), dbSNP rs80148779, ClinGen allele CA376075933.

ClinVar aggregate classification (germline): Uncertain significance. Review status: criteria provided, single submitter (1 of 4 stars). 2 submissions from 2 submitters: Uncertain significance (1). 1 of the submissions does not count toward it. Last evaluated 2022-04-30.

Conditions:
Athabaskan severe combined immunodeficiency (SCIDA). Also called: Severe combined immunodeficiency, athabascan-type. Identifiers: MedGen C1865370.
Severe combined immunodeficiency due to DCLRE1C deficiency (RS-SCID). Also called: SCID, AUTOSOMAL RECESSIVE, T CELL-NEGATIVE, B CELL-NEGATIVE, NK CELL-POSITIVE, WITH SENSITIVITY TO IONIZING RADIATION. Identifiers: Orphanet 275, MedGen C1865371, MONDO:0011225, OMIM 602450.

gnomAD v4.1: 6 of 1,614,168 alleles (0.00037%); highest among the groups gnomAD compares: Non-Finnish European, 0.00051%; no homozygotes.

Submissions (2):

Labcorp Genetics (formerly Invitae), Labcorp
Classification: Uncertain significance for Athabaskan severe combined immunodeficiency. Last evaluated: 2022-04-30. Review status: criteria provided, single submitter. Criteria: Invitae Variant Classification Sherloc (09022015). Collection method: clinical testing. Allele origin: germline.
Comment: This sequence change replaces threonine, which is neutral and polar, with isoleucine, which is neutral and non-polar, at codon 447 of the DCLRE1C protein (p.Thr447Ile). This variant is not present in population databases (gnomAD no frequency). This variant has not been reported in the literature in individuals affected with DCLRE1C-related conditions. ClinVar contains an entry for this variant (Variation ID: 1060552). Algorithms developed to predict the effect of missense changes on protein structure and function (SIFT, PolyPhen-2, Align-GVGD) all suggest that this variant is likely to be tolerated. In summary, the available evidence is currently insufficient to determine the role of this variant in disease. Therefore, it has been classified as a Variant of Uncertain Significance.

Natera, Inc.
Classification: Uncertain significance for Athabascan severe combined immunodeficiency. Last evaluated: 2021-07-28. Review status: no assertion criteria provided. Collection method: clinical testing. Allele origin: germline. Not counted in ClinVar's aggregate classification.